The following is an entry in ClinVar:

NM_014806.5(RUSC2):c.3626CCCGGG[3] (p.Arg1212_Gly1213insAlaArg)

Gene: RUSC2 (RUN and SH3 domain containing 2; plus strand). Cytogenetic location: 9p13.3.
Variant type: Microsatellite.
Coding change: c.3626CCCGGG[3] on transcript NM_014806.5 (MANE Select); three copies in a row of the 6-base unit CCCGGG starting at c.3626; the reference has two copies in a row; one copy, 6 bases duplicated.
Protein change: p.Arg1212_Gly1213insAlaArg.
Molecular consequence: inframe insertion. On other transcripts: non-coding transcript variant (1).
Genome position (GRCh38, 1-based): chr9:35,560,272-35,560,277, CCCGGG duplicated; duplicating any 6 consecutive bases within chr9:35,560,264-35,560,277 gives the same sequence; the position shown is the placement nearest the transcript's 3' end. VCF-style (leftmost placement, unchanged base first): chr9-35560263-T-TGGCCCG. GRCh37 (hg19) VCF-style: chr9-35560260-T-TGGCCCG.
Other names: c.3626CCCGGG[3], p.Arg1212_Gly1213insAlaArg (NM_001135999.2); c.992CCCGGG[3], p.Arg334_Gly335insAlaArg (NM_001330740.2).
Identifiers: ClinVar variation 2189511 (VCV002189511.3), dbSNP rs201328421, ClinGen allele CA5044202.

ClinVar aggregate classification (germline): Uncertain significance (1 of 4 stars; one submission).

Submission:

Labcorp Genetics (formerly Invitae), Labcorp
Classification: Uncertain significance. Last evaluated: 2023-11-28. Review status: criteria provided, single submitter. Criteria: Invitae Variant Classification Sherloc (09022015). Collection method: clinical testing. Allele origin: germline.
Comment: This variant, c.3632_3637dup, results in the insertion of 2 amino acid(s) of the RUSC2 protein (p.Ala1211_Arg1212dup), but otherwise preserves the integrity of the reading frame. This variant is present in population databases (rs746580565, gnomAD 0.01%). This variant has not been reported in the literature in individuals affected with RUSC2-related conditions. Experimental studies and prediction algorithms are not available or were not evaluated, and the functional significance of this variant is currently unknown. In summary, the available evidence is currently insufficient to determine the role of this variant in disease. Therefore, it has been classified as a Variant of Uncertain Significance.